The following is an entry in ClinVar:

ClinVar aggregate classification (germline): Likely benign. Review status: criteria provided, multiple submitters, no conflicts (2 of 4 stars). 2 submissions from 2 submitters: Likely benign (2). Last evaluated 2025-12-12.

Submissions (2):

Mayo Clinic Laboratories, Mayo Clinic
Classification: Likely benign. Last evaluated: 2025-12-12. Review status: criteria provided, single submitter. Criteria: ACMG Guidelines, 2015. Collection method: clinical testing. Allele origin: germline. Observed: 27 variant alleles.
Comment: BS1, BP4, BP7

Blueprint Genetics
Classification: Likely benign. Last evaluated: 2024-11-26. Review status: criteria provided, single submitter. Criteria: ACMG Guidelines, 2015. Collection method: clinical testing. Allele origin: germline.

NM_001349.4(DARS1):c.505-3dup

Gene: DARS1 (aspartyl-tRNA synthetase 1; minus strand). Cytogenetic location: 2q21.3.
Variant type: Duplication.
Coding change: c.505-3dup on transcript NM_001349.4 (MANE Select); 3 bases into the intron before coding-DNA position 505, one base duplicated (T; older notation c.505-3dupT).
Molecular consequence: intron variant.
Genome position (GRCh38, 1-based): chr2:135,932,845, A duplicated on the plus strand (T on the coding strand, the reverse complement: DARS1 is on the minus strand); the first of 15 consecutive A bases (chr2:135,932,845-135,932,859); duplicating any one gives the same sequence. VCF-style (leftmost placement, unchanged base first): chr2-135932844-T-TA. GRCh37 (hg19) VCF-style: chr2-136690414-T-TA.
Other names: p.?; c.205-3dup (NM_001293312.1).
Identifiers: ClinVar variation 4684591 (VCV004684591.2).